The following is an entry in ClinVar:

NM_001323572.2(CCP110):c.1749A>G (p.Lys583=)

Gene: CCP110 (centriolar coiled-coil protein 110; plus strand). Cytogenetic location: 16p12.3.
Variant type: single nucleotide variant.
Coding change: c.1749A>G on transcript NM_001323572.2 (MANE Select); coding-DNA position 1749, A replaced by G.
Protein change: p.Lys583=; no amino-acid change (lysine 583 retained).
Molecular consequence: synonymous variant.
Genome position (GRCh38, 1-based): chr16:19,537,418, A>G. VCF-style: chr16-19537418-A-G. GRCh37 (hg19) VCF-style: chr16-19548740-A-G.
Other names: c.1749A>G, p.Lys583= (NM_001199022.3, NM_001323569.2, NM_001323570.2 and 4 more transcripts).
Identifiers: ClinVar variation 402515 (VCV000402515.6), dbSNP rs17227190, ClinGen allele CA7935481.

ClinVar aggregate classification (germline): Benign. Review status: criteria provided, multiple submitters, no conflicts (2 of 4 stars). 2 submissions from 2 submitters: Benign (2). Last evaluated 2016-03-28.

Allele frequency attached by ClinVar (database versions not stated): ESP Exome Variant Server 0.05279; TOPMed 0.06323; 1000 Genomes Project 30x 0.06918; 1000 Genomes Project 0.07228.
gnomAD v4.1: 118,747 of 1,613,200 alleles (7.4%); highest among the groups gnomAD compares: East Asian, 12%; 4,737 homozygotes.

Submissions (24):

Laboratory for Molecular Medicine, Mass General Brigham Personalized Medicine
Classification: Benign. Last evaluated: 2016-03-28. Review status: criteria provided, single submitter. Criteria: LMM Criteria. Collection method: clinical testing. Allele origin: germline.
Comment: Variant identified in a genome or exome case(s) and assessed due to predicted null impact of the variant or pathogenic assertions in the literature or databases. Disclaimer: This variant has not undergone full assessment. The following are preliminary notes: Frequency

Breakthrough Genomics
Classification: Benign. Review status: criteria provided, single submitter. Criteria: ACMG Guidelines, 2015. Collection method: not provided. Allele origin: germline. Inheritance: Unknown mechanism. Affected: yes.

Dr. Peter K. Rogan Lab, Western University
No classification provided (evidence only). Condition: Acute myeloid leukemia. Review status: no classification provided. Collection method: in vitro. Allele origin: not applicable. Functional consequence: retained intron. Not counted in ClinVar's aggregate classification.

Dr. Peter K. Rogan Lab, Western University
No classification provided (evidence only). Condition: Acute myeloid leukemia. Review status: no classification provided. Collection method: in vitro. Allele origin: not applicable. Functional consequence: retained intron. Not counted in ClinVar's aggregate classification.

Dr. Peter K. Rogan Lab, Western University
No classification provided (evidence only). Condition: Acute myeloid leukemia. Review status: no classification provided. Collection method: in vitro. Allele origin: not applicable. Functional consequence: skipped exon. Not counted in ClinVar's aggregate classification.

Dr. Peter K. Rogan Lab, Western University
No classification provided (evidence only). Condition: Acute myeloid leukemia. Review status: no classification provided. Collection method: in vitro. Allele origin: not applicable. Functional consequence: retained intron. Not counted in ClinVar's aggregate classification.

Dr. Peter K. Rogan Lab, Western University
No classification provided (evidence only). Condition: Colon adenocarcinoma. Review status: no classification provided. Collection method: in vitro. Allele origin: not applicable. Functional consequence: retained intron. Not counted in ClinVar's aggregate classification.

Dr. Peter K. Rogan Lab, Western University
No classification provided (evidence only). Condition: Colon adenocarcinoma. Review status: no classification provided. Collection method: in vitro. Allele origin: not applicable. Functional consequence: retained intron. Not counted in ClinVar's aggregate classification.

Dr. Peter K. Rogan Lab, Western University
No classification provided (evidence only). Condition: Colon adenocarcinoma. Review status: no classification provided. Collection method: in vitro. Allele origin: not applicable. Functional consequence: retained intron. Not counted in ClinVar's aggregate classification.

Dr. Peter K. Rogan Lab, Western University
No classification provided (evidence only). Condition: Colon adenocarcinoma. Review status: no classification provided. Collection method: in vitro. Allele origin: not applicable. Functional consequence: retained intron. Not counted in ClinVar's aggregate classification.

Dr. Peter K. Rogan Lab, Western University
No classification provided (evidence only). Condition: Colon adenocarcinoma. Review status: no classification provided. Collection method: in vitro. Allele origin: not applicable. Functional consequence: skipped exon, retained intron. Not counted in ClinVar's aggregate classification.

Dr. Peter K. Rogan Lab, Western University
No classification provided (evidence only). Condition: Colorectal cancer. Review status: no classification provided. Collection method: in vitro. Allele origin: not applicable. Functional consequence: retained intron. Not counted in ClinVar's aggregate classification.

Dr. Peter K. Rogan Lab, Western University
No classification provided (evidence only). Condition: Colorectal cancer. Review status: no classification provided. Collection method: in vitro. Allele origin: not applicable. Functional consequence: retained intron. Not counted in ClinVar's aggregate classification.

Dr. Peter K. Rogan Lab, Western University
No classification provided (evidence only). Condition: Colorectal cancer. Review status: no classification provided. Collection method: in vitro. Allele origin: not applicable. Functional consequence: skipped exon. Not counted in ClinVar's aggregate classification.

Dr. Peter K. Rogan Lab, Western University
No classification provided (evidence only). Condition: Colorectal cancer. Review status: no classification provided. Collection method: in vitro. Allele origin: not applicable. Functional consequence: skipped exon. Not counted in ClinVar's aggregate classification.

Dr. Peter K. Rogan Lab, Western University
No classification provided (evidence only). Condition: Malignant lymphoma, large B-cell, diffuse. Review status: no classification provided. Collection method: in vitro. Allele origin: not applicable. Functional consequence: retained intron. Not counted in ClinVar's aggregate classification.

Dr. Peter K. Rogan Lab, Western University
No classification provided (evidence only). Condition: Malignant lymphoma, large B-cell, diffuse. Review status: no classification provided. Collection method: in vitro. Allele origin: not applicable. Functional consequence: retained intron. Not counted in ClinVar's aggregate classification.

Dr. Peter K. Rogan Lab, Western University
No classification provided (evidence only). Condition: Thymoma. Review status: no classification provided. Collection method: in vitro. Allele origin: not applicable. Functional consequence: retained intron. Not counted in ClinVar's aggregate classification.

Dr. Peter K. Rogan Lab, Western University
No classification provided (evidence only). Condition: Cholangiocarcinoma. Review status: no classification provided. Collection method: in vitro. Allele origin: not applicable. Functional consequence: retained intron. Not counted in ClinVar's aggregate classification.

Dr. Peter K. Rogan Lab, Western University
No classification provided (evidence only). Condition: Cholangiocarcinoma. Review status: no classification provided. Collection method: in vitro. Allele origin: not applicable. Functional consequence: retained intron. Not counted in ClinVar's aggregate classification.

Dr. Peter K. Rogan Lab, Western University
No classification provided (evidence only). Condition: Adrenocortical carcinoma, hereditary. Review status: no classification provided. Collection method: in vitro. Allele origin: not applicable. Functional consequence: retained intron. Not counted in ClinVar's aggregate classification.

Dr. Peter K. Rogan Lab, Western University
No classification provided (evidence only). Condition: Adrenocortical carcinoma, hereditary. Review status: no classification provided. Collection method: in vitro. Allele origin: not applicable. Functional consequence: retained intron. Not counted in ClinVar's aggregate classification.

Dr. Peter K. Rogan Lab, Western University
No classification provided (evidence only). Condition: Uterine carcinosarcoma. Review status: no classification provided. Collection method: in vitro. Allele origin: not applicable. Functional consequence: retained intron. Not counted in ClinVar's aggregate classification.

Dr. Peter K. Rogan Lab, Western University
No classification provided (evidence only). Condition: Uterine carcinosarcoma. Review status: no classification provided. Collection method: in vitro. Allele origin: not applicable. Functional consequence: skipped exon. Not counted in ClinVar's aggregate classification.